The following is an entry in ClinVar:

ClinVar aggregate classification (germline): Pathogenic (1 of 4 stars; one submission).

Conditions:
Achromatopsia 3 (ACHM3). Also called: ACHROMATOPSIA WITH MYOPIA; PINGELAPESE BLINDNESS; TOTAL COLORBLINDNESS WITH MYOPIA; ROD MONOCHROMACY 1; ROD MONOCHROMATISM 1. Identifiers: Orphanet 49382, MedGen C1849792, MONDO:0009875, OMIM 262300.

Submission:

Myriad Genetics, Inc.
Classification: Pathogenic for Achromatopsia 3. Last evaluated: 2026-08-05. Review status: criteria provided, single submitter. Criteria: Myriad Autosomal Dominant, Autosomal Recessive and X-Linked Classification Criteria (2023). Collection method: clinical testing. Allele origin: unknown.
Comment: NM_019098.4(CNGB3):c.696delC(C233Afs*46) is expected to be pathogenic in the context of achromatopsia, CNGB3-related. This variant is predicted to lead to an abnormal or absent protein product due to the creation of a premature termination codon in CNGB3, a gene where loss-of-function variants are known to be pathogenic. Please note: this variant was assessed in the context of healthy population screening.

NM_019098.5(CNGB3):c.696del (p.Cys233fs)

Gene: CNGB3 (cyclic nucleotide gated channel subunit beta 3; minus strand). Cytogenetic location: 8q21.3.
Variant type: Deletion.
Coding change: c.696del on transcript NM_019098.5 (MANE Select); coding-DNA position 696, one base deleted (C; older notation c.696delC).
Protein change: p.Cys233fs; shifts the reading frame from cysteine 233.
Molecular consequence: frameshift variant.
Genome position (GRCh38, 1-based): chr8:86,667,081, G deleted on the plus strand (C on the coding strand, the reverse complement: CNGB3 is on the minus strand). VCF-style (leftmost placement, unchanged base first): chr8-86667080-AG-A. GRCh37 (hg19) VCF-style: chr8-87679308-AG-A.
Other names: short protein forms C233fs.
Identifiers: ClinVar variation 5016199 (VCV005016199.1).